The following is an entry in ClinVar:

NM_001201543.2(FAM161A):c.1851+9T>C

Gene: FAM161A (FAM161 centrosomal protein A; minus strand). Cytogenetic location: 2p15.
Variant type: single nucleotide variant.
Coding change: c.1851+9T>C on transcript NM_001201543.2 (MANE Select); 9 bases into the intron after coding-DNA position 1851, T replaced by C.
Molecular consequence: intron variant.
Genome position (GRCh38, 1-based): chr2:61,836,001, A>G on the plus strand (T>C on the coding strand, the complement: FAM161A is on the minus strand). VCF-style: chr2-61836001-A-G. GRCh37 (hg19) VCF-style: chr2-62063136-A-G.
Other names: c.1851+9T>C (NM_001201543.1); c.1683+9T>C (NM_032180.3).
Identifiers: ClinVar variation 2913720 (VCV002913720.4), dbSNP rs1558480121, ClinGen allele CA1255591519.

ClinVar aggregate classification (germline): Likely benign. Review status: criteria provided, multiple submitters, no conflicts (2 of 4 stars). 2 submissions from 2 submitters: Likely benign (2). Last evaluated 2025-04-25.

Conditions:
FAM161A-related disorder. Also called: FAM161A-related condition.

Allele frequency attached by ClinVar (database versions not stated): gnomAD exomes below 0.00001.
gnomAD v4.1: 1 of 1,590,836 alleles (0.000063%); highest among the groups gnomAD compares: Non-Finnish European, 0.000086%; no homozygotes.

Submissions (2):

PreventionGenetics, part of Exact Sciences
Classification: Likely benign for FAM161A-related condition. Last evaluated: 2025-04-25. Review status: criteria provided, single submitter. Criteria: ACMG Guidelines, 2015. Collection method: clinical testing. Allele origin: germline.
Comment: This variant is classified as likely benign based on ACMG/AMP sequence variant interpretation guidelines (Richards et al. 2015 PMID: 25741868, with internal and published modifications).

Labcorp Genetics (formerly Invitae), Labcorp
Classification: Likely benign. Last evaluated: 2023-02-22. Review status: criteria provided, single submitter. Criteria: Invitae Variant Classification Sherloc (09022015). Collection method: clinical testing. Allele origin: germline.